The following is an entry in ClinVar:

ClinVar aggregate classification (germline): Likely benign (1 of 4 stars; one submission).

Submission:

CeGaT Center for Human Genetics Tuebingen
Classification: Likely benign. Last evaluated: 2026-03-01. Review status: criteria provided, single submitter. Criteria: CeGaT Center For Human Genetics Tuebingen Variant Classification Criteria Version 2. Collection method: clinical testing. Allele origin: germline. Affected: yes. Observed: 4 variant alleles.
Comment: CBL: BS1

NM_005188.3(CBL):c.-127_-125GGC[16]

Genes: CBL (Cbl proto-oncogene; plus strand), FRA11B (fragile site, folic acid type, rare, fra(11)(q23.3); plus strand), LOC130006894 (ATAC-STARR-seq lymphoblastoid silent region 3974; plus strand). Cytogenetic location: 11q23.3.
Variant type: Microsatellite.
Coding change: c.-127_-125GGC[16] on transcript NM_005188.3.
Genome position: GRCh38 VCF-style: chr11-119206289-C-CCGGCGGCGGCGGCGG. GRCh37 (hg19) VCF-style: chr11-119076999-C-CCGGCGGCGGCGGCGG.
Identifiers: ClinVar variation 4822645 (VCV004822645.4).
Genomic context (GRCh38, chr11:119,206,289, plus strand): 5'-GCGCACTCCCGGCGCCGCCCACTCCCCTCCCCACGGCCGCTCCTCCCTCCGCCCGGATAG[C>CCGGCGGCGGCGGCGG]CGGCGGCGGCGGCGGCGGCGGCGGCGGCGGCGGCCGGGAGAGGCCCCTCCTTCACGCCCT-3'